The following is an entry in ClinVar:

ClinVar aggregate classification (germline): Uncertain significance (1 of 4 stars; one submission).

Allele frequency attached by ClinVar (database versions not stated): gnomAD exomes below 0.00001; TOPMed 0.00003; gnomAD 0.00006.
gnomAD v4.1: 12 of 1,613,152 alleles (0.00074%); highest among the groups gnomAD compares: African/African-American, 0.016%; no homozygotes.

Submission:

Labcorp Genetics (formerly Invitae), Labcorp
Classification: Uncertain significance. Last evaluated: 2022-06-14. Review status: criteria provided, single submitter. Criteria: Invitae Variant Classification Sherloc (09022015). Collection method: clinical testing. Allele origin: germline.
Comment: Algorithms developed to predict the effect of missense changes on protein structure and function are either unavailable or do not agree on the potential impact of this missense change (SIFT: "Tolerated"; PolyPhen-2: "Probably Damaging"; Align-GVGD: "Class C0"). In summary, the available evidence is currently insufficient to determine the role of this variant in disease. Therefore, it has been classified as a Variant of Uncertain Significance. This variant has not been reported in the literature in individuals affected with PLG-related conditions. This variant is present in population databases (no rsID available, gnomAD 0.02%). This sequence change replaces glycine, which is neutral and non-polar, with aspartic acid, which is acidic and polar, at codon 714 of the PLG protein (p.Gly714Asp).

NM_000301.5(PLG):c.2141G>A (p.Gly714Asp)

Gene: PLG (plasminogen; plus strand). Cytogenetic location: 6q26.
Variant type: single nucleotide variant.
Coding change: c.2141G>A on transcript NM_000301.5 (MANE Select); coding-DNA position 2141, G replaced by A.
Protein change: p.Gly714Asp; replaces glycine 714 with aspartic acid.
Molecular consequence: missense variant.
Genome position (GRCh38, 1-based): chr6:160,752,130, G>A. VCF-style: chr6-160752130-G-A. GRCh37 (hg19) VCF-style: chr6-161173162-G-A.
Other names: short protein forms G714D.
Identifiers: ClinVar variation 1919804 (VCV001919804.5), dbSNP rs1169453533, ClinGen allele CA366368075.
Genomic context (GRCh38, chr6:160,752,130, plus strand): 5'-GTGTTTTGGGTGCAGTTGCCATTTCTTTCATCTTTTTAAACACAGGTACTTTTGGAGCTG[G>A]CCTTCTCAAGGAAGCCCAGCTCCCTGTGATTGAGAATAAAGTGTGCAATCGCTATGAGTT-3'
Protein context (NP_000292.1, residues 704-724): WGETQGTFGA[Gly714Asp]LLKEAQLPVI